The following is an entry in ClinVar:

ClinVar aggregate classification (germline): Uncertain significance. Review status: criteria provided, multiple submitters, no conflicts (2 of 4 stars). 2 submissions from 2 submitters: Uncertain significance (2). Last evaluated 2026-01-25.

Conditions:
Inborn genetic diseases. Identifiers: MedGen C0950123, MeSH D030342.
Charcot-Marie-Tooth disease, type I (CMT1). Also called: Charcot-Marie-Tooth, Type 1; Charcot-Marie-Tooth disease type 1. Identifiers: Orphanet 65753, MedGen C0751036, MONDO:0019011.

Allele frequency attached by ClinVar (database versions not stated): gnomAD 0.00001.
gnomAD v4.1: 4 of 1,612,274 alleles (0.00025%); highest among the groups gnomAD compares: African/African-American, 0.0013%; no homozygotes.

Submissions (2):

Labcorp Genetics (formerly Invitae), Labcorp
Classification: Uncertain significance for Charcot-Marie-Tooth disease, type I. Last evaluated: 2026-01-25. Review status: criteria provided, single submitter. Criteria: Invitae Variant Classification Sherloc (09022015). Collection method: clinical testing. Allele origin: germline.
Comment: This sequence change replaces proline, which is neutral and non-polar, with leucine, which is neutral and non-polar, at codon 292 of the EGR2 protein (p.Pro292Leu). This variant is present in population databases (no rsID available, gnomAD 0.0009%). This variant has not been reported in the literature in individuals affected with EGR2-related conditions. ClinVar contains an entry for this variant (Variation ID: 1764567). Invitae Evidence Modeling of protein sequence and biophysical properties (such as structural, functional, and spatial information, amino acid conservation, physicochemical variation, residue mobility, and thermodynamic stability) has been performed for this missense variant. However, the output from this modeling did not meet the statistical confidence thresholds required to predict the impact of this variant on EGR2 protein function. In summary, the available evidence is currently insufficient to determine the role of this variant in disease. Therefore, it has been classified as a Variant of Uncertain Significance.

Ambry Genetics
Classification: Uncertain significance for Inborn genetic diseases. Last evaluated: 2021-01-05. Review status: criteria provided, single submitter. Criteria: Ambry Variant Classification Scheme 2023. Collection method: clinical testing. Allele origin: germline.
Comment: The p.P292L variant (also known as c.875C>T), located in coding exon 2 of the EGR2 gene, results from a C to T substitution at nucleotide position 875. The proline at codon 292 is replaced by leucine, an amino acid with similar properties. This amino acid position is well conserved in available vertebrate species. In addition, this alteration is predicted to be tolerated by in silico analysis. Since supporting evidence is limited at this time, the clinical significance of this alteration remains unclear.

NM_000399.5(EGR2):c.875C>T (p.Pro292Leu)

Gene: EGR2 (early growth response 2; minus strand). Cytogenetic location: 10q21.3.
Variant type: single nucleotide variant.
Coding change: c.875C>T on transcript NM_000399.5 (MANE Select); coding-DNA position 875, C replaced by T.
Protein change: p.Pro292Leu; replaces proline 292 with leucine.
Molecular consequence: missense variant.
Genome position (GRCh38, 1-based): chr10:62,813,763, G>A on the plus strand (C>T on the coding strand, the complement: EGR2 is on the minus strand). VCF-style: chr10-62813763-G-A. GRCh37 (hg19) VCF-style: chr10-64573523-G-A.
Other names: c.875C>T, p.Pro292Leu (NM_001136177.3, NM_001136178.2); c.725C>T, p.Pro242Leu (NM_001136179.3, NM_001321037.2); c.914C>T, p.Pro305Leu (NM_001410931.1); short protein forms P292L, P242L, P305L.
Identifiers: ClinVar variation 1764567 (VCV001764567.5), dbSNP rs1273584502, ClinGen allele CA377028549.
Genomic context (GRCh38, chr10:62,813,763, plus strand): 5'-GGGTTATAGGCGGCGGCGGCGGCGGCTGCTGCTGCTGCTGAGCTGCTACCAGGCAGCCGG[G>A]GTCCCTCGCTGCCTCCACTGGCCCCTGGTCCGGTCACCCCAGCACTGGGGCCCCCCAGGG-3'
Protein context (NP_000390.2, residues 282-302): GPGASGGSEG[Pro292Leu]RLPGSSSAAA